The following is an entry in ClinVar:

NM_012414.4(RAB3GAP2):c.2878A>G (p.Asn960Asp)

Gene: RAB3GAP2 (RAB3 GTPase activating non-catalytic protein subunit 2; minus strand). Cytogenetic location: 1q41.
Variant type: single nucleotide variant.
Coding change: c.2878A>G on transcript NM_012414.4 (MANE Select); coding-DNA position 2878, A replaced by G.
Protein change: p.Asn960Asp; replaces asparagine 960 with aspartic acid.
Molecular consequence: missense variant.
Genome position (GRCh38, 1-based): chr1:220,167,604, T>C on the plus strand (A>G on the coding strand, the complement: RAB3GAP2 is on the minus strand). VCF-style: chr1-220167604-T-C. GRCh37 (hg19) VCF-style: chr1-220340946-T-C.
Other names: short protein forms N960D.
Identifiers: ClinVar variation 1325989 (VCV001325989.5), dbSNP rs376965360, ClinGen allele CA1402319.

ClinVar aggregate classification (germline): Uncertain significance. Review status: criteria provided, multiple submitters, no conflicts (2 of 4 stars). 2 submissions from 2 submitters: Uncertain significance (2). Last evaluated 2026-09-11.

Conditions:
Inborn genetic diseases. Identifiers: MedGen C0950123, MeSH D030342.

Allele frequency attached by ClinVar (database versions not stated): ExAC 0.00002; ESP Exome Variant Server 0.00008; 1000 Genomes Project 30x 0.00016; 1000 Genomes Project 0.00020; gnomAD exomes 0.00002; gnomAD 0.00006.
gnomAD v4.1: 40 of 1,614,166 alleles (0.0025%); highest among the groups gnomAD compares: African/African-American, 0.023%; no homozygotes.

Submissions (2):

GeneDx
Classification: Uncertain significance. Last evaluated: 2026-09-11. Review status: criteria provided, single submitter. Criteria: GeneDx Variant Classification Process June 2021. Collection method: clinical testing. Allele origin: germline.
Comment: In silico analysis suggests that this missense variant does not alter protein structure/function; Has not been previously published as pathogenic or benign to our knowledge

Ambry Genetics
Classification: Uncertain significance for Inborn genetic diseases. Last evaluated: 2021-06-09. Review status: criteria provided, single submitter. Criteria: Ambry Variant Classification Scheme 2023. Collection method: clinical testing. Allele origin: germline.